The following is an entry in ClinVar:

ClinVar aggregate classification (germline): Pathogenic (1 of 4 stars; one submission).

Conditions:
Leber congenital amaurosis 3 (LCA3). Also called: SPATA7-Related Retinitis Pigmentosa. Identifiers: MedGen C1858677, MONDO:0011415, OMIM 604232.

Submission:

Labcorp Genetics (formerly Invitae), Labcorp
Classification: Pathogenic for Leber congenital amaurosis 3. Last evaluated: 2022-07-06. Review status: criteria provided, single submitter. Criteria: Invitae Variant Classification Sherloc (09022015). Collection method: clinical testing. Allele origin: germline.
Comment: For these reasons, this variant has been classified as Pathogenic. This variant has not been reported in the literature in individuals affected with SPATA7-related conditions. This variant is not present in population databases (gnomAD no frequency). This sequence change creates a premature translational stop signal (p.Thr289Glnfs*7) in the SPATA7 gene. It is expected to result in an absent or disrupted protein product. Loss-of-function variants in SPATA7 are known to be pathogenic (PMID: 19268277, 22334370, 23847139, 26047050, 26261414).

Literature cited by the submitters: PubMed 19268277; PubMed 22334370; PubMed 23847139; PubMed 26047050; PubMed 26261414.

NM_018418.5(SPATA7):c.864del (p.Thr289fs)

Gene: SPATA7 (spermatogenesis associated 7; plus strand). Cytogenetic location: 14q31.3.
Variant type: Deletion.
Coding change: c.864del on transcript NM_018418.5 (MANE Select); coding-DNA position 864, one base deleted (G; older notation c.864delG).
Protein change: p.Thr289fs; shifts the reading frame from threonine 289.
Molecular consequence: frameshift variant.
Genome position (GRCh38, 1-based): chr14:88,427,648, G deleted; the last of 4 consecutive G bases (chr14:88,427,645-88,427,648); deleting any one gives the same sequence. VCF-style (leftmost placement, unchanged base first): chr14-88427644-TG-T. GRCh37 (hg19) VCF-style: chr14-88893988-TG-T.
Other names: c.768del, p.Thr257fs (NM_001040428.4); short protein forms T257fs, T289fs.
Identifiers: ClinVar variation 2014731 (VCV002014731.4), dbSNP rs2504245792, ClinGen allele CA2575596012.